The following is an entry in ClinVar:

ClinVar aggregate classification (germline): Benign. Review status: criteria provided, multiple submitters, no conflicts (2 of 4 stars). 2 submissions from 2 submitters: Benign (2). Last evaluated 2018-01-13.

Conditions:
Congenital myasthenic syndrome 5. Identifiers: Orphanet 590, MedGen C1864233, MONDO:0011281, OMIM 603034.

Allele frequency attached by ClinVar (database versions not stated): gnomAD exomes 0.42713; gnomAD 0.46283 and 0.46594; TOPMed 0.47615; 1000 Genomes Project 0.48023; 1000 Genomes Project 30x 0.48423.
gnomAD v4.1: 186,580 of 423,102 alleles (44%); highest among the groups gnomAD compares: African/African-American, 56%; 42,021 homozygotes.

Submissions (2):

Illumina Laboratory Services, Illumina
Classification: Benign for Congenital myasthenic syndrome 5. Last evaluated: 2018-01-13. Review status: criteria provided, single submitter. Criteria: ICSL Variant Classification Criteria 13 December 2019. Collection method: clinical testing. Allele origin: germline.
Comment: This variant was observed in the ICSL laboratory as part of a predisposition screen in an ostensibly healthy population. It had not been previously curated by ICSL or reported in the Human Gene Mutation Database (HGMD: prior to June 1st, 2018), and was therefore a candidate for classification through an automated scoring system. Utilizing variant allele frequency, disease prevalence and penetrance estimates, and inheritance mode, an automated score was calculated to assess if this variant is too frequent to cause the disease. Based on the score and internal cut-off values, a variant classified as benign is not then subjected to further curation. The score for this variant resulted in a classification of benign for this disease.

Breakthrough Genomics
Classification: Benign. Review status: criteria provided, single submitter. Criteria: ACMG Guidelines, 2015. Collection method: not provided. Allele origin: germline. Inheritance: Autosomal recessive inheritance. Affected: yes.

NM_005677.4(COLQ):c.*344C>T

Gene: COLQ (collagen like tail subunit of asymmetric acetylcholinesterase; minus strand). Cytogenetic location: 3p25.1.
Variant type: single nucleotide variant.
Coding change: c.*344C>T on transcript NM_005677.4 (MANE Select); 344 bases downstream of the stop codon, C replaced by T.
Molecular consequence: 3 prime UTR variant.
Genome position (GRCh38, 1-based): chr3:15,451,300, G>A on the plus strand (C>T on the coding strand, the complement: COLQ is on the minus strand). VCF-style: chr3-15451300-G-A. GRCh37 (hg19) VCF-style: chr3-15492807-G-A.
Other names: c.*344C>T (NM_080538.2, NM_080539.4).
Identifiers: ClinVar variation 343840 (VCV000343840.6), dbSNP rs2278961, ClinGen allele CA10615586.
Genomic context (GRCh38, chr3:15,451,300, plus strand): 5'-GAGGCCTGTACTCCAGATTCCCCAAAGAGATCAAAACATTCTAAAACAGCCTGCAGGTCT[G>A]TGTGTGTCTAACAGTGCTCAGCCAAGTCCACGGCCTGGGTCAGCAACATTCCAGAAGAGG-3'